The following is an entry in ClinVar:

NM_000093.5(COL5A1):c.1463C>G (p.Pro488Arg)

Gene: COL5A1 (collagen type V alpha 1 chain; plus strand). Cytogenetic location: 9q34.3.
Variant type: single nucleotide variant.
Coding change: c.1463C>G on transcript NM_000093.5 (MANE Select); coding-DNA position 1463, C replaced by G.
Protein change: p.Pro488Arg; replaces proline 488 with arginine.
Molecular consequence: missense variant.
Genome position (GRCh38, 1-based): chr9:134,738,777, C>G. VCF-style: chr9-134738777-C-G. GRCh37 (hg19) VCF-style: chr9-137630623-C-G.
Other names: c.1463C>G, p.Pro488Arg (NM_001278074.1); short protein forms P488R.
Identifiers: ClinVar variation 1488337 (VCV001488337.6), dbSNP rs2132655977, ClinGen allele CA375441328.
Genomic context (GRCh38, chr9:134,738,777, plus strand): 5'-AACTGCCCCAACTTTATTTTTAATTCTAGGGTCTTCCCGGACCTCCAGGAACCATGGGTC[C>G]CACTGGCCAAGTCGGGGACCCTGGAGAAAGGGTAAGAGGTTGACTGTGTTTCCTGAGATC-3'
Protein context (NP_000084.3, residues 478-498): GLPGPPGTMG[Pro488Arg]TGQVGDPGER

ClinVar aggregate classification (germline): Uncertain significance (1 of 4 stars; one submission).

Conditions:
Ehlers-Danlos syndrome, classic type, 1 (EDSCL1). Also called: EHLERS-DANLOS SYNDROME, GRAVIS TYPE; EHLERS-DANLOS SYNDROME, SEVERE CLASSIC TYPE; Ehlers-Danlos syndrome, type 1; Ehlers-Danlos Syndrome, Classic Type, COL5A1-Related; EDS I. Identifiers: MedGen C0268335, MONDO:0019567, OMIM 130000.

Submission:

Labcorp Genetics (formerly Invitae), Labcorp
Classification: Uncertain significance for Ehlers-Danlos syndrome, classic type, 1. Last evaluated: 2021-08-13. Review status: criteria provided, single submitter. Criteria: Invitae Variant Classification Sherloc (09022015). Collection method: clinical testing. Allele origin: germline.
Comment: This sequence change replaces proline with arginine at codon 488 of the COL5A1 protein (p.Pro488Arg). The proline residue is highly conserved and there is a moderate physicochemical difference between proline and arginine. This variant is not present in population databases (ExAC no frequency). This variant has not been reported in the literature in individuals affected with COL5A1-related conditions. Advanced modeling of protein sequence and biophysical properties (such as structural, functional, and spatial information, amino acid conservation, physicochemical variation, residue mobility, and thermodynamic stability) performed at Invitae indicates that this missense variant is not expected to disrupt COL5A1 protein function. In summary, the available evidence is currently insufficient to determine the role of this variant in disease. Therefore, it has been classified as a Variant of Uncertain Significance.